The following is an entry in ClinVar:

NM_001352514.2(HLCS):c.1123G>C (p.Asp375His)

Gene: HLCS (holocarboxylase synthetase; minus strand). Cytogenetic location: 21q22.13.
Variant type: single nucleotide variant.
Coding change: c.1123G>C on transcript NM_001352514.2 (MANE Select); coding-DNA position 1123, G replaced by C.
Protein change: p.Asp375His; replaces aspartic acid 375 with histidine.
Molecular consequence: missense variant. On other transcripts: non-coding transcript variant (2).
Genome position (GRCh38, 1-based): chr21:36,936,763, C>G on the plus strand (G>C on the coding strand, the complement: HLCS is on the minus strand). VCF-style: chr21-36936763-C-G. GRCh37 (hg19) VCF-style: chr21-38309063-C-G.
Other names: c.682G>C, p.Asp228His (NM_000411.8, NM_001242784.3, NM_001242785.2 and 4 more transcripts); short protein forms D375H, D228H.
Identifiers: ClinVar variation 2202514 (VCV002202514.4), dbSNP rs1171304818, ClinGen allele CA409912528.

ClinVar aggregate classification (germline): Uncertain significance (1 of 4 stars; one submission).

Conditions:
Holocarboxylase synthetase deficiency. Also called: MULTIPLE CARBOXYLASE DEFICIENCY, EARLY ONSET. Identifiers: Orphanet 79242, MedGen C0268581, MONDO:0009666, OMIM 253270.

Allele frequency attached by ClinVar (database versions not stated): gnomAD exomes below 0.00001; gnomAD 0.00001.

Submission:

Labcorp Genetics (formerly Invitae), Labcorp
Classification: Uncertain significance for Holocarboxylase synthetase deficiency. Last evaluated: 2024-01-22. Review status: criteria provided, single submitter. Criteria: Invitae Variant Classification Sherloc (09022015). Collection method: clinical testing. Allele origin: germline.
Comment: This sequence change replaces aspartic acid, which is acidic and polar, with histidine, which is basic and polar, at codon 228 of the HLCS protein (p.Asp228His). This variant is present in population databases (no rsID available, gnomAD 0.003%). This variant has not been reported in the literature in individuals affected with HLCS-related conditions. ClinVar contains an entry for this variant (Variation ID: 2202514). Advanced modeling of protein sequence and biophysical properties (such as structural, functional, and spatial information, amino acid conservation, physicochemical variation, residue mobility, and thermodynamic stability) performed at Invitae indicates that this missense variant is not expected to disrupt HLCS protein function with a negative predictive value of 80%. In summary, the available evidence is currently insufficient to determine the role of this variant in disease. Therefore, it has been classified as a Variant of Uncertain Significance.